The following is an entry in ClinVar:

ClinVar aggregate classification (germline): Conflicting classifications of pathogenicity. Review status: criteria provided, conflicting classifications (1 of 4 stars). 6 submissions from 6 submitters: Uncertain significance (3); Likely benign (1). 2 of the submissions do not count toward it. Last evaluated 2024-11-23.

Conditions:
Bilateral frontoparietal polymicrogyria. Also called: CEREBELLAR ATAXIA WITH NEURONAL MIGRATION DEFECT; CORTICAL DYSPLASIA, COMPLEX, WITH OTHER BRAIN MALFORMATIONS 14A (BILATERAL FRONTOPARIETAL). Identifiers: Orphanet 101070, MedGen C1847352, MONDO:0011738, OMIM 606854.
ADGRG1-related disorder. Also called: ADGRG1-related condition.

Allele frequency attached by ClinVar (database versions not stated): ExAC 0.00006; TOPMed 0.00008; gnomAD 0.00009 and 0.00010; 1000 Genomes Project 30x 0.00016.
gnomAD v4.1: 46 of 1,613,382 alleles (0.0029%); highest among the groups gnomAD compares: African/African-American, 0.027%; no homozygotes.

Submissions (6):

Labcorp Genetics (formerly Invitae), Labcorp
Classification: Likely benign. Last evaluated: 2024-11-23. Review status: criteria provided, single submitter. Criteria: Invitae Variant Classification Sherloc (09022015). Collection method: clinical testing. Allele origin: germline.

Athena Diagnostics
Classification: Uncertain significance. Last evaluated: 2018-03-02. Review status: criteria provided, single submitter. Criteria: Athena Diagnostics Criteria. Collection method: clinical testing. Allele origin: germline.

Genetic Services Laboratory, University of Chicago
Classification: Uncertain significance. Last evaluated: 2015-11-11. Review status: criteria provided, single submitter. Criteria: ACMG Guidelines, 2015. Collection method: clinical testing. Allele origin: germline. Affected: no.

Breakthrough Genomics
Classification: Uncertain significance. Review status: criteria provided, single submitter. Criteria: ACMG Guidelines, 2015. Collection method: not provided. Allele origin: germline. Inheritance: Autosomal recessive inheritance. Affected: yes.

Natera, Inc.
Classification: Uncertain significance for Bilateral frontoparietal polymicrogyria. Last evaluated: 2020-02-21. Review status: no assertion criteria provided. Collection method: clinical testing. Allele origin: germline. Not counted in ClinVar's aggregate classification.

PreventionGenetics, part of Exact Sciences
Classification: Likely benign for ADGRG1-related condition. Last evaluated: 2019-08-20. Review status: no assertion criteria provided. Collection method: clinical testing. Allele origin: germline. Not counted in ClinVar's aggregate classification.
Comment: This variant is classified as likely benign based on ACMG/AMP sequence variant interpretation guidelines (Richards et al. 2015 PMID: 25741868, with internal and published modifications).

NM_201525.4(ADGRG1):c.1371C>T (p.Ser457=)

Gene: ADGRG1 (adhesion G protein-coupled receptor G1; plus strand). Cytogenetic location: 16q21.
Variant type: single nucleotide variant.
Coding change: c.1371C>T on transcript NM_201525.4 (MANE Select); coding-DNA position 1371, C replaced by T.
Protein change: p.Ser457=; no amino-acid change (serine 457 retained).
Molecular consequence: synonymous variant.
Genome position (GRCh38, 1-based): chr16:57,659,497, C>T. VCF-style: chr16-57659497-C-T. GRCh37 (hg19) VCF-style: chr16-57693409-C-T.
Other names: c.1371C>T, p.Ser457= (NM_001145770.3, NM_001145772.3, NM_001145774.3 and 7 more transcripts); c.1389C>T, p.Ser463= (NM_001145771.3, NM_001370428.1, NM_001370429.1 and 4 more transcripts); c.1386C>T, p.Ser462= (NM_001145773.3, NM_001370433.1, NM_001370434.1); c.879C>T, p.Ser293= (NM_001290142.2); c.864C>T, p.Ser288= (NM_001290143.2); c.846C>T, p.Ser282= (NM_001290144.2, NM_001370451.1, NM_001370453.1 and 1 more transcripts); c.1368C>T, p.Ser456= (NM_001370441.1); c.1215C>T, p.Ser405= (NM_001370442.1); and 1 more.
Identifiers: ClinVar variation 435356 (VCV000435356.14), dbSNP rs747812668, ClinGen allele CA8078744.